The following is an entry in ClinVar:

NM_174936.4(PCSK9):c.757C>T (p.Leu253Phe)

Gene: PCSK9 (proprotein convertase subtilisin/kexin type 9; plus strand). Cytogenetic location: 1p32.3.
Variant type: single nucleotide variant.
Coding change: c.757C>T on transcript NM_174936.4 (MANE Select); coding-DNA position 757, C replaced by T.
Protein change: p.Leu253Phe; replaces leucine 253 with phenylalanine.
Molecular consequence: missense variant.
Genome position (GRCh38, 1-based): chr1:55,052,749, C>T. VCF-style: chr1-55052749-C-T. GRCh37 (hg19) VCF-style: chr1-55518422-C-T.
Other names: c.880C>T, p.Leu294Phe (NM_001407240.1); c.757C>T, p.Leu253Phe (NM_001407241.1, NM_001407244.1, NM_001407247.1); c.760C>T, p.Leu254Phe (NM_001407242.1); c.700C>T, p.Leu234Phe (NM_001407243.1); c.565C>T, p.Leu189Phe (NM_001407245.1); c.382C>T, p.Leu128Phe (NM_001407246.1); short protein forms L253F, L189F, L254F, L234F, L128F, L294F.
Identifiers: ClinVar variation 468298 (VCV000468298.20), dbSNP rs72646508, ClinGen allele CA044357.

ClinVar aggregate classification (germline): Benign/Likely benign. Review status: criteria provided, multiple submitters, no conflicts (2 of 4 stars). 6 submissions from 6 submitters: Benign (3); Likely benign (3). Last evaluated 2025-10-13.

Conditions:
Familial hypercholesterolemia. Also called: Familial hypercholesterolemias; Familial hypercholesterolaemia. Identifiers: MedGen C0020445, MONDO:0005439.
Hypercholesterolemia, autosomal dominant, 3 (FHCL3). Also called: Familial Hypercholesterolemia, Autosomal Dominant, 3; PCSK9-Related Familial Hypercholesterolemia, Autosomal Dominant; Familial hypercholesterolemia 3. Identifiers: MedGen C1863551, MONDO:0011369, OMIM 603776.
Cardiovascular phenotype. Identifiers: MedGen CN230736.

Allele frequency attached by ClinVar (database versions not stated): gnomAD exomes 0.00009 and 0.00019; ExAC 0.00026; ESP Exome Variant Server 0.00077; 1000 Genomes Project 30x 0.00078; 1000 Genomes Project 0.00080; gnomAD 0.00090 and 0.00098; TOPMed 0.00108.

Submissions (6):

Labcorp Genetics (formerly Invitae), Labcorp
Classification: Likely benign for Hypercholesterolemia, autosomal dominant, 3. Last evaluated: 2025-10-13. Review status: criteria provided, single submitter. Criteria: Invitae Variant Classification Sherloc (09022015). Collection method: clinical testing. Allele origin: germline.

ARUP Laboratories, Molecular Genetics and Genomics, ARUP Laboratories
Classification: Benign. Last evaluated: 2024-11-21. Review status: criteria provided, single submitter. Criteria: ARUP Molecular Germline Variant Investigation Process 2024. Collection method: clinical testing. Allele origin: germline.

Ambry Genetics
Classification: Benign for Cardiovascular phenotype. Last evaluated: 2022-08-30. Review status: criteria provided, single submitter. Criteria: Ambry Variant Classification Scheme 2023. Collection method: clinical testing. Allele origin: germline.

Color Diagnostics, LLC DBA Color Health
Classification: Likely benign for Familial hypercholesterolemia. Last evaluated: 2022-01-01. Review status: criteria provided, single submitter. Criteria: ACMG Guidelines, 2015. Collection method: clinical testing. Allele origin: germline.

Women's Health and Genetics/Laboratory Corporation of America, LabCorp
Classification: Benign. Last evaluated: 2016-12-15. Review status: criteria provided, single submitter. Criteria: LabCorp Variant Classification Summary - May 2015. Collection method: clinical testing. Allele origin: germline.
Comment: Variant summary: The PCSK9 c.757C>T (p.Leu253Phe) variant involves the alteration of a conserved nucleotide. 3/4 in silico tools predict a damaging outcome for this substitution (SNPs&GO not captured due to low reliability index). This variant was found in 31/118852 control chromosomes, predominantly observed in the African subpopulation at a frequency of 0.0030852 (31/10048). This frequency is about 33 times the estimated maximal expected allele frequency of a pathogenic PCSK9 variant (0.0000938), suggesting this is likely a benign polymorphism found primarily in the populations of African origin. Moreover, the variant was reported to be associated with about a 30% reduction of LDL-C levels further supporting a non-disease causing impact. Taken together, this variant is classified as benign.

Breakthrough Genomics
Classification: Likely benign. Review status: criteria provided, single submitter. Criteria: ACMG Guidelines, 2015. Collection method: not provided. Allele origin: germline. Inheritance: Autosomal dominant inheritance. Affected: yes.

Literature cited by the submitters: PubMed 16465619 (cited by Ambry Genetics and Women's Health and Genetics/Laboratory Corporation of America, LabCorp); PubMed 17435765 (cited by Ambry Genetics); PubMed 17461796 (cited by Ambry Genetics); PubMed 17804797 (cited by Ambry Genetics); PubMed 19351729 (cited by Ambry Genetics); PubMed 20031607 (cited by Ambry Genetics); PubMed 23555291 (cited by Ambry Genetics); PubMed 18028451 (cited by Women's Health and Genetics/Laboratory Corporation of America, LabCorp); PubMed 21943799 (cited by Women's Health and Genetics/Laboratory Corporation of America, LabCorp); PubMed 19191301 (cited by Women's Health and Genetics/Laboratory Corporation of America, LabCorp).